The following is an entry in ClinVar:

ClinVar aggregate classification (germline): Conflicting classifications of pathogenicity. Review status: criteria provided, conflicting classifications (1 of 4 stars). 16 submissions from 16 submitters: Uncertain significance (6); Likely benign (8). 2 of the submissions do not count toward it. Last evaluated 2026-09-01.

Conditions:
APC-related disorder. Also called: APC-related condition.
Hereditary cancer. Identifiers: MedGen C1333600.
Classic or attenuated familial adenomatous polyposis. Identifiers: MedGen CN372698, MONDO:0021057.
Familial adenomatous polyposis 1 (FAP1). Also called: FAMILIAL ADENOMATOUS POLYPOSIS 1, ATTENUATED; POLYPOSIS, ADENOMATOUS INTESTINAL. Identifiers: MedGen C2713442, MONDO:0021056, OMIM 175100. Disease mechanism: loss of function.
Neoplasm of stomach. Also called: Gastric neoplasm; Neoplasm of the stomach; Stomach Neoplasms. Identifiers: MedGen C0038356, MONDO:0021085, HP:0006753. Disease mechanism: gain of function. Inheritance: Somatic mutation.
Desmoid disease, hereditary (DESMD). Also called: FIBROMATOSIS, FAMILIAL INFILTRATIVE. Identifiers: Orphanet 873, MedGen C1851124, OMIM 135290. Disease mechanism: loss of function.
Hepatocellular carcinoma (HCC). Also called: Primary carcinoma of liver; HEPATOMA; LIVER CELL CARCINOMA. Identifiers: Orphanet 88673, MedGen C2239176, MONDO:0007256, OMIM 114550, HP:0001402.
Carcinoma of colon (CRC). Also called: Colon carcinoma; Colonic carcinoma. Identifiers: MedGen C0699790, MONDO:0002032.
Hereditary cancer-predisposing syndrome. Also called: Neoplastic Syndromes, Hereditary; Hereditary neoplastic syndrome; Hereditary Cancer Syndrome; Tumor predisposition. Identifiers: Orphanet 140162, MedGen C0027672, MeSH D009386, MONDO:0015356.

Allele frequency attached by ClinVar (database versions not stated): gnomAD 0.00004 and 0.00005; gnomAD exomes 0.00006; TOPMed 0.00006; ExAC 0.00011; ESP Exome Variant Server 0.00015.
gnomAD v4.1: 107 of 1,613,962 alleles (0.0066%); highest among the groups gnomAD compares: Admixed American, 0.015%; no homozygotes.

Submissions (16):

CeGaT Center for Human Genetics Tuebingen
Classification: Likely benign. Last evaluated: 2026-09-01. Review status: criteria provided, single submitter. Criteria: CeGaT Center For Human Genetics Tuebingen Variant Classification Criteria Version 2. Collection method: clinical testing. Allele origin: germline. Affected: yes. Observed: 2 variant alleles.
Comment: APC: BP1, BP4

Women's Health and Genetics/Laboratory Corporation of America, LabCorp
Classification: Likely benign. Last evaluated: 2026-03-30. Review status: criteria provided, single submitter. Criteria: LabCorp Variant Classification Summary - May 2015. Collection method: clinical testing. Allele origin: germline.
Comment: Variant summary: APC c.4372C>T (p.Pro1458Ser) results in a non-conservative amino acid change in the encoded protein sequence. Algorithms developed to predict the effect of missense changes on protein structure and function are either unavailable or do not agree on the potential impact of this missense change. The variant allele was found at a frequency of 6.4e-05 in 251188 control chromosomes, predominantly at a frequency of 0.00014 within the Latino subpopulation in the gnomAD database. This frequency is higher than the maximum pathogenic allele frequency of APC. To our knowledge, no occurrence of c.4372C>T in individuals affected with APC-related conditions and no experimental evidence demonstrating its impact on protein function have been reported. ClinVar contains an entry for this variant (Variation ID: 41530). Based on the evidence outlined above, the variant was classified as likely benign.

Labcorp Genetics (formerly Invitae), Labcorp
Classification: Likely benign for Familial adenomatous polyposis 1. Last evaluated: 2026-01-27. Review status: criteria provided, single submitter. Criteria: Invitae Variant Classification Sherloc (09022015). Collection method: clinical testing. Allele origin: germline.

Dasa
Classification: Likely benign. Last evaluated: 2025-11-19. Review status: criteria provided, single submitter. Criteria: DASA Assertion Criteria. Collection method: clinical testing. Allele origin: germline.
Comment: NM_000038.6(APC):c.4372C>T (p.Pro1458Ser) is a missense variant that results in the substitution of proline with serine. Based on the available data, this variant is classified as likely benign.

PreventionGenetics, part of Exact Sciences
Classification: Uncertain significance for APC-related condition. Last evaluated: 2025-08-23. Review status: criteria provided, single submitter. Criteria: ACMG Guidelines, 2015. Collection method: clinical testing. Allele origin: germline.
Comment: The APC c.4372C>T variant is predicted to result in the amino acid substitution p.Pro1458Ser. This variant has been reported in one patient with bladder or urothelial carcinoma who also had an activating HER2 variant (Wen et al 2015. PubMed ID: 26320869), but has been documented in a study of patients with colorectal adenomas in at least one healthy control individual (Azzopardi et al. 2008. PubMed ID: 18199528). This variant is reported in 0.017% of alleles in individuals of Latino descent in gnomAD, and has conflicting interpretations in ClinVar, including uncertain significance and likely benign (Variation ID: 41530). Although we suspect that this variant may be benign, at this time, the clinical significance of this variant is uncertain due to the absence of conclusive functional and genetic evidence.

GeneDx
Classification: Uncertain significance. Last evaluated: 2025-04-25. Review status: criteria provided, single submitter. Criteria: GeneDx Variant Classification Process June 2021. Collection method: clinical testing. Allele origin: germline. Affected: yes.
Comment: In silico analysis indicates that this missense variant does not alter protein structure/function; Observed in a healthy control individual and in an individual with atherosclerosis in published literature (PMID: 18199528, 22703879); This variant is associated with the following publications: (PMID: 18199528, 22703879, 26320869)

Color Diagnostics, LLC DBA Color Health
Classification: Likely benign for Hereditary cancer-predisposing syndrome. Last evaluated: 2025-03-04. Review status: criteria provided, single submitter. Criteria: ACMG Guidelines, 2015. Collection method: clinical testing. Allele origin: germline.

Department of Pathology and Laboratory Medicine, Sinai Health System
Classification: Likely benign for classic or attenuated familial adenomatous polyposis. Last evaluated: 2025-01-28. Review status: criteria provided, single submitter. Criteria: ACMG Guidelines, 2015. Collection method: clinical testing. Allele origin: germline.

All of Us Research Program, National Institutes of Health
Classification: Uncertain significance for Classic or attenuated familial adenomatous polyposis. Last evaluated: 2024-08-29. Review status: criteria provided, single submitter. Criteria: ACMG Guidelines, 2015. Collection method: clinical testing. Allele origin: germline. Inheritance: Autosomal dominant inheritance. Observed: 19 variant alleles, 19 heterozygotes.
Comment: This missense variant replaces proline with serine at codon 1458 of the APC protein. Computational prediction suggests that this variant may not impact protein structure and function (internally defined REVEL score threshold <= 0.5, PMID: 27666373). To our knowledge, functional studies have not been reported for this variant. This variant has been reported in individuals affected with pancreatic cancer in the literature (PMID: 28726808), but has also been observed in healthy individuals (PMID: 18199528, 22703879). This variant has been identified in 18/282574 chromosomes in the general population by the Genome Aggregation Database (gnomAD). The available evidence is insufficient to determine the role of this variant in disease conclusively. Therefore, this variant is classified as a Variant of Uncertain Significance.

This study involves interpretation of variants in research participants for the purpose of population health screening. Participant phenotype was not available at the time of variant classification. Additional details can be found in publication PMID: 35346344, PMCID: PMC8962531

Mendelics
Classification: Likely benign for Hereditary cancer. Last evaluated: 2024-01-23. Review status: criteria provided, single submitter. Criteria: ACMG Guidelines, 2015. Collection method: clinical testing. Allele origin: unknown.

Quest Diagnostics Nichols Institute San Juan Capistrano
Classification: Uncertain significance. Last evaluated: 2024-01-18. Review status: criteria provided, single submitter. Criteria: Quest Diagnostics criteria. Collection method: clinical testing. Allele origin: unknown.
Comment: The APC c.4372C>T (p.Pro1458Ser) variant has been reported in the published literature along with other variants in individuals affected with bladder cancer (PMID: 26320869 (2015)), pancreatic cancer (PMID: 28726808 (2018)), and enchondromas (PMID: 31240473 (2019)). It was also detected in reportedly healthy individuals (PMID: 18199528 (2008)). The frequency of this variant in the general population, 0.00017 (6/35422 chromosomes in Admixed American subpopulation (Genome Aggregation Database)), is higher than would generally be expected for pathogenic variants in this gene. Analysis of this variant using bioinformatics tools for the prediction of the effect of amino acid changes on protein structure and function yielded predictions that this variant is benign. Based on the available information, we are unable to determine the clinical significance of this variant.

Myriad Genetics, Inc.
Classification: Uncertain significance for Familial adenomatous polyposis 1. Last evaluated: 2023-02-22. Review status: criteria provided, single submitter. Criteria: Myriad Autosomal Dominant, Autosomal Recessive and X-Linked Classification Criteria (2023). Collection method: clinical testing. Allele origin: unknown.
Comment: This variant is classified as a variant of uncertain significance as there is insufficient evidence to determine its impact on protein function and/or cancer risk.

Ambry Genetics
Classification: Likely benign for Hereditary cancer-predisposing syndrome. Last evaluated: 2021-01-15. Review status: criteria provided, single submitter. Criteria: Ambry Variant Classification Scheme 2023. Collection method: clinical testing. Allele origin: germline.

Fulgent Genetics
Classification: Uncertain significance for Colorectal cancer; Hepatocellular carcinoma; Desmoid disease, hereditary; Familial adenomatous polyposis 1; Gastric cancer. Last evaluated: 2017-05-23. Review status: criteria provided, single submitter. Criteria: ACMG Guidelines, 2015. Collection method: clinical testing. Allele origin: unknown.

Counsyl
Classification: Uncertain significance for Familial adenomatous polyposis 1. Last evaluated: 2016-04-14. Review status: no assertion criteria provided. Collection method: clinical testing. Allele origin: unknown. Not counted in ClinVar's aggregate classification.

Biesecker Lab/Clinical Genomics Section, National Institutes of Health
Classification: Uncertain significance. Last evaluated: 2012-07-13. Review status: no assertion criteria provided. Collection method: research. Allele origin: germline. Affected: no. Observed: 1 variant allele. Study: ClinSeq. Not counted in ClinVar's aggregate classification.
ClinVar note: Converted during submission from variant of unknown significance to Uncertain significance.

Literature cited by the submitters: PubMed 28726808 (cited by 4 submitters); PubMed 18199528 (cited by 5 submitters); PubMed 31240473 (cited by Quest Diagnostics Nichols Institute San Juan Capistrano); PubMed 26320869 (cited by Quest Diagnostics Nichols Institute San Juan Capistrano and Ambry Genetics).

NM_000038.6(APC):c.4372C>T (p.Pro1458Ser)

Gene: APC (APC regulator of Wnt signaling pathway; plus strand). Cytogenetic location: 5q22.2.
Variant type: single nucleotide variant.
Coding change: c.4372C>T on transcript NM_000038.6 (MANE Select); coding-DNA position 4372, C replaced by T.
Protein change: p.Pro1458Ser; replaces proline 1458 with serine.
Molecular consequence: missense variant.
Genome position (GRCh38, 1-based): chr5:112,839,966, C>T. VCF-style: chr5-112839966-C-T. GRCh37 (hg19) VCF-style: chr5-112175663-C-T.
Other names: p.P1458S:CCT>TCT; c.4372C>T, p.Pro1458Ser (NM_001127510.3, NM_001354895.2); c.4318C>T, p.Pro1440Ser (NM_001127511.3); c.4426C>T, p.Pro1476Ser (NM_001354896.2); c.4402C>T, p.Pro1468Ser (NM_001354897.2); c.4297C>T, p.Pro1433Ser (NM_001354898.2); c.4288C>T, p.Pro1430Ser (NM_001354899.2); c.4249C>T, p.Pro1417Ser (NM_001354900.2); and 6 more; short protein forms P1458S, P1440S, P1357S, P1367S, P1430S, P1468S, P1476S, P1175S.
Identifiers: ClinVar variation 41530 (VCV000041530.96), dbSNP rs143796828, ClinGen allele CA009490.